The following is an entry in ClinVar:

ClinVar aggregate classification (germline): Uncertain significance (1 of 4 stars; one submission).

gnomAD v4.1: 1 of 1,613,834 alleles (0.000062%); highest among the groups gnomAD compares: Non-Finnish European, 0.000085%; no homozygotes.

Submission:

Labcorp Genetics (formerly Invitae), Labcorp
Classification: Uncertain significance. Last evaluated: 2025-08-09. Review status: criteria provided, single submitter. Criteria: Invitae Variant Classification Sherloc (09022015). Collection method: clinical testing. Allele origin: germline.
Comment: This sequence change replaces asparagine, which is neutral and polar, with aspartic acid, which is acidic and polar, at codon 2092 of the RP1 protein (p.Asn2092Asp). This variant is not present in population databases (gnomAD no frequency). This variant has not been reported in the literature in individuals affected with RP1-related conditions. An algorithm developed to predict the effect of missense changes on protein structure and function outputs the following: PolyPhen-2: "Benign". The aspartic acid amino acid residue is found in multiple mammalian species, which suggests that this missense change does not adversely affect protein function. In summary, the available evidence is currently insufficient to determine the role of this variant in disease. Therefore, it has been classified as a Variant of Uncertain Significance.

NM_006269.2(RP1):c.6274A>G (p.Asn2092Asp)

Gene: RP1 (RP1 axonemal microtubule associated; plus strand). Cytogenetic location: 8q12.1.
Variant type: single nucleotide variant.
Coding change: c.6274A>G on transcript NM_006269.2 (MANE Select); coding-DNA position 6274, A replaced by G.
Protein change: p.Asn2092Asp; replaces asparagine 2092 with aspartic acid.
Molecular consequence: missense variant. On other transcripts: intron variant (1).
Genome position (GRCh38, 1-based): chr8:54,630,156, A>G. VCF-style: chr8-54630156-A-G. GRCh37 (hg19) VCF-style: chr8-55542716-A-G.
Other names: c.787+7868A>G (NM_001375654.1); short protein forms N2092D.
Identifiers: ClinVar variation 4809573 (VCV004809573.1).
Genomic context (GRCh38, chr8:54,630,156, plus strand): 5'-TTAAATAACAGATTCCAGGGCTCAAGAACAAATCTCAACCAAGTAGTAAGAGAAAATATC[A>G]ACTGTCATTACTTCTTTGAAATGCTTGGTCAAGCTTGCCTCTTAGATATTTGCCAAGTTG-3'
Protein context (NP_006260.1, residues 2082-2102): NLNQVVRENI[Asn2092Asp]CHYFFEMLGQ